The following is an entry in ClinVar:

ClinVar aggregate classification (germline): Pathogenic/Likely pathogenic. Review status: criteria provided, multiple submitters, no conflicts (2 of 4 stars). 2 submissions from 2 submitters: Pathogenic (1); Likely pathogenic (1). Last evaluated 2024-05-20.

Conditions:
Epidermolysis bullosa dystrophica. Also called: Dystrophic epidermolysis bullosa; Dystrophic epidermolysis bullosa, Hallopeau-Siemens type (formerly). Identifiers: Orphanet 303, MedGen C0079294, MONDO:0006543.

Submissions (2):

Natera, Inc.
Classification: Likely pathogenic for Dystrophic epidermolysis bullosa. Last evaluated: 2024-05-20. Review status: criteria provided, single submitter. Criteria: Natera Variant Classification Schema (03/2026). Collection method: clinical testing. Allele origin: germline.
Comment: The c.976del variant in COL7A1 is a frameshift variant predicted to shift the reading frame beginning at codon 326 and leads to a stop codon 3 codons downstream. This variant is expected to result in nonsense mediated decay, truncation, or a dysfunctional protein product. This variant is rare in the general population with a frequency below the threshold expected for the associated phenotype(s). Given the available evidence, this variant is classified as Likely Pathogenic.

Labcorp Genetics (formerly Invitae), Labcorp
Classification: Pathogenic. Last evaluated: 2022-12-31. Review status: criteria provided, single submitter. Criteria: Invitae Variant Classification Sherloc (09022015). Collection method: clinical testing. Allele origin: germline.
Comment: For these reasons, this variant has been classified as Pathogenic. Algorithms developed to predict the effect of sequence changes on RNA splicing suggest that this variant may disrupt the consensus splice site. ClinVar contains an entry for this variant (Variation ID: 1367789). This variant has not been reported in the literature in individuals affected with COL7A1-related conditions. This variant is not present in population databases (gnomAD no frequency). This sequence change creates a premature translational stop signal (p.Thr326Leufs*3) in the COL7A1 gene. It is expected to result in an absent or disrupted protein product. Loss-of-function variants in COL7A1 are known to be pathogenic (PMID: 16971478).

Literature cited by the submitters: PubMed 16971478 (cited by Labcorp Genetics (formerly Invitae), Labcorp).

NM_000094.4(COL7A1):c.976del (p.Thr326fs)

Gene: COL7A1 (collagen type VII alpha 1 chain; minus strand). Cytogenetic location: 3p21.31.
Variant type: Deletion.
Coding change: c.976del on transcript NM_000094.4 (MANE Select); coding-DNA position 976, one base deleted (A; older notation c.976delA).
Protein change: p.Thr326fs; shifts the reading frame from threonine 326.
Molecular consequence: frameshift variant.
Genome position (GRCh38, 1-based): chr3:48,592,570, T deleted on the plus strand (A on the coding strand, the reverse complement: COL7A1 is on the minus strand). VCF-style (leftmost placement, unchanged base first): chr3-48592569-CT-C. GRCh37 (hg19) VCF-style: chr3-48630002-CT-C.
Other names: c.976del (NM_000094.3); short protein forms T326fs.
Identifiers: ClinVar variation 1367789 (VCV001367789.7), dbSNP rs2107794257, ClinGen allele CA2573137043.